The following is an entry in ClinVar:

ClinVar aggregate classification (germline): Uncertain significance. Review status: criteria provided, multiple submitters, no conflicts (2 of 4 stars). 2 submissions from 2 submitters: Uncertain significance (2). Last evaluated 2025-05-26.

Conditions:
Cardiovascular phenotype. Identifiers: MedGen CN230736.
RASopathy. Also called: rasopathies; Noonan spectrum disorder. Identifiers: Orphanet 536391, MedGen C5555857, MONDO:0021060.

Allele frequency attached by ClinVar (database versions not stated): gnomAD exomes below 0.00001; ExAC 0.00001.

Submissions (2):

Ambry Genetics
Classification: Uncertain significance for Cardiovascular phenotype. Last evaluated: 2025-05-26. Review status: criteria provided, single submitter. Criteria: Ambry Variant Classification Scheme 2023. Collection method: clinical testing. Allele origin: germline.
Comment: The p.D217N variant (also known as c.649G>A), located in coding exon 6 of the MAP2K1 gene, results from a G to A substitution at nucleotide position 649. The aspartic acid at codon 217 is replaced by asparagine, an amino acid with highly similar properties. This amino acid position is conserved. In addition, this alteration is predicted to be tolerated by in silico analysis. Based on the available evidence, the clinical significance of this variant remains unclear.

Labcorp Genetics (formerly Invitae), Labcorp
Classification: Uncertain significance for RASopathy. Last evaluated: 2023-05-22. Review status: criteria provided, single submitter. Criteria: Invitae Variant Classification Sherloc (09022015). Collection method: clinical testing. Allele origin: germline.
Comment: This variant is present in population databases (rs761324501, gnomAD 0.004%). This sequence change replaces aspartic acid, which is acidic and polar, with asparagine, which is neutral and polar, at codon 217 of the MAP2K1 protein (p.Asp217Asn). This variant has not been reported in the literature in individuals affected with MAP2K1-related conditions. In summary, the available evidence is currently insufficient to determine the role of this variant in disease. Therefore, it has been classified as a Variant of Uncertain Significance. Advanced modeling of protein sequence and biophysical properties (such as structural, functional, and spatial information, amino acid conservation, physicochemical variation, residue mobility, and thermodynamic stability) performed at Invitae indicates that this missense variant is not expected to disrupt MAP2K1 protein function.

NM_002755.4(MAP2K1):c.649G>A (p.Asp217Asn)

Gene: MAP2K1 (mitogen-activated protein kinase kinase 1; plus strand). Cytogenetic location: 15q22.31.
Variant type: single nucleotide variant.
Coding change: c.649G>A on transcript NM_002755.4 (MANE Select); coding-DNA position 649, G replaced by A.
Protein change: p.Asp217Asn; replaces aspartic acid 217 with asparagine.
Molecular consequence: missense variant.
Genome position (GRCh38, 1-based): chr15:66,481,835, G>A. VCF-style: chr15-66481835-G-A. GRCh37 (hg19) VCF-style: chr15-66774173-G-A.
Other names: c.505G>A, p.Asp169Asn (NM_001411065.1); short protein forms D169N, D217N.
Identifiers: ClinVar variation 2828735 (VCV002828735.4), dbSNP rs761324501, ClinGen allele CA7623996.